The following is an entry in ClinVar:

ClinVar aggregate classification (germline): Uncertain significance (1 of 4 stars; one submission).

Conditions:
Hereditary pancreatitis (PCTT). Also called: Hereditary chronic pancreatitis; PRSS1-Related Hereditary Pancreatitis. Identifiers: Orphanet 676, MedGen C0238339, MONDO:0008185, OMIM 167800.

Allele frequency attached by ClinVar (database versions not stated): gnomAD exomes below 0.00001.
gnomAD v4.1: 1 of 1,614,156 alleles (0.000062%); highest among the groups gnomAD compares: South Asian, 0.0011%; no homozygotes.

Submission:

Ambry Genetics
Classification: Uncertain significance for Hereditary pancreatitis. Last evaluated: 2024-09-15. Review status: criteria provided, single submitter. Criteria: Ambry Variant Classification Scheme 2023. Collection method: clinical testing. Allele origin: germline.
Comment: The p.H417Y variant (also known as c.1249C>T), located in coding exon 10 of the CPA1 gene, results from a C to T substitution at nucleotide position 1249. The histidine at codon 417 is replaced by tyrosine, an amino acid with similar properties. This amino acid position is conserved. In addition, this alteration is predicted to be tolerated by in silico analysis. Since supporting evidence is limited at this time, the clinical significance of this alteration remains unclear.

NM_001868.4(CPA1):c.1249C>T (p.His417Tyr)

Gene: CPA1 (carboxypeptidase A1; plus strand). Cytogenetic location: 7q32.2.
Variant type: single nucleotide variant.
Coding change: c.1249C>T on transcript NM_001868.4 (MANE Select); coding-DNA position 1249, C replaced by T.
Protein change: p.His417Tyr; replaces histidine 417 with tyrosine.
Molecular consequence: missense variant.
Genome position (GRCh38, 1-based): chr7:130,388,000, C>T. VCF-style: chr7-130388000-C-T. GRCh37 (hg19) VCF-style: chr7-130027841-C-T.
Other names: short protein forms H417Y.
Identifiers: ClinVar variation 1760187 (VCV001760187.3), dbSNP rs1554412268, ClinGen allele CA369284659.